The following is an entry in ClinVar:

ClinVar aggregate classification (germline): Uncertain significance. Review status: criteria provided, multiple submitters, no conflicts (2 of 4 stars). 2 submissions from 2 submitters: Uncertain significance (2). Last evaluated 2023-11-20.

Conditions:
Actin accumulation myopathy (CMYO2A). Also called: CONGENITAL MYOPATHY 2A, TYPICAL, AUTOSOMAL DOMINANT; Nemaline myopathy type 3; Myopathy, actin, congenital, with excess of thin myofilaments; Myopathy, actin, congenital, with cores; Nemaline myopathy 3, with intranuclear rods. Identifiers: Orphanet 98904, MedGen C3711389, MONDO:0008070, OMIM 161800.

Allele frequency attached by ClinVar (database versions not stated): gnomAD 0.00001; TOPMed 0.00002.

Submissions (2):

Labcorp Genetics (formerly Invitae), Labcorp
Classification: Uncertain significance for Actin accumulation myopathy. Last evaluated: 2023-11-20. Review status: criteria provided, single submitter. Criteria: Invitae Variant Classification Sherloc (09022015). Collection method: clinical testing. Allele origin: germline.
Comment: This sequence change replaces alanine, which is neutral and non-polar, with valine, which is neutral and non-polar, at codon 110 of the ACTA1 protein (p.Ala110Val). This variant is not present in population databases (gnomAD no frequency). This variant has not been reported in the literature in individuals affected with ACTA1-related conditions. ClinVar contains an entry for this variant (Variation ID: 449751). Advanced modeling of protein sequence and biophysical properties (such as structural, functional, and spatial information, amino acid conservation, physicochemical variation, residue mobility, and thermodynamic stability) performed at Invitae indicates that this missense variant is not expected to disrupt ACTA1 protein function with a negative predictive value of 80%. In summary, the available evidence is currently insufficient to determine the role of this variant in disease. Therefore, it has been classified as a Variant of Uncertain Significance.

GeneDx
Classification: Uncertain significance. Last evaluated: 2017-09-12. Review status: criteria provided, single submitter. Criteria: GeneDx Variant Classification (06012015). Collection method: clinical testing. Allele origin: germline. Affected: yes.
Comment: The A110V variant has not been published as a pathogenic variant, nor has it been reported as a benign variant to our knowledge. The A110V variant is not observed in large population cohorts (Lek et al., 2016; 1000 Genomes Consortium et al., 2015; Exome Variant Server). This variant is a conservative amino acid substitution, which is not likely to impact secondary protein structure as these residues share similar properties. However, this substitution occurs at a position that is conserved across species, and in silico analysis predicts this variant is probably damaging to the protein structure/function.

NM_001100.4(ACTA1):c.329C>T (p.Ala110Val)

Gene: ACTA1 (actin alpha 1, skeletal muscle; minus strand). Cytogenetic location: 1q42.13.
Variant type: single nucleotide variant.
Coding change: c.329C>T on transcript NM_001100.4 (MANE Select); coding-DNA position 329, C replaced by T.
Protein change: p.Ala110Val; replaces alanine 110 with valine.
Molecular consequence: missense variant.
Genome position (GRCh38, 1-based): chr1:229,432,681, G>A on the plus strand (C>T on the coding strand, the complement: ACTA1 is on the minus strand). VCF-style: chr1-229432681-G-A. GRCh37 (hg19) VCF-style: chr1-229568428-G-A.
Other names: short protein forms A110V.
Identifiers: ClinVar variation 449751 (VCV000449751.5), dbSNP rs970679543, ClinGen allele CA38816409.